The following is an entry in ClinVar:

ClinVar aggregate classification (germline): Benign. Review status: criteria provided, multiple submitters, no conflicts (2 of 4 stars). 2 submissions from 2 submitters: Benign (2). Last evaluated 2018-01-12.

Conditions:
Charcot-Marie-Tooth disease type 4B1. Also called: CHARCOT-MARIE-TOOTH DISEASE, AUTOSOMAL RECESSIVE, WITH FOCALLY FOLDED MYELIN SHEATHS, AUTOSOMAL RECESSIVE, TYPE 4B1; CHARCOT-MARIE-TOOTH DISEASE, TYPE 4B; Charcot-Marie-Tooth Neuropathy Type 4B1; CHARCOT-MARIE-TOOTH DISEASE, DEMYELINATING, TYPE 4B1. Identifiers: Orphanet 99955, MedGen C1832399, MONDO:0011066, OMIM 601382.

Allele frequency attached by ClinVar (database versions not stated): gnomAD 0.01655 and 0.01766; TOPMed 0.01736; 1000 Genomes Project 30x 0.02904; 1000 Genomes Project 0.02975; gnomAD exomes 0.25000.
gnomAD v4.1: 2,679 of 152,136 alleles (1.8%); highest among the groups gnomAD compares: East Asian, 4.6%; 38 homozygotes.

Submissions (2):

Illumina Laboratory Services, Illumina
Classification: Benign for Charcot-Marie-Tooth disease type 4B1. Last evaluated: 2018-01-12. Review status: criteria provided, single submitter. Criteria: ICSL Variant Classification Criteria 13 December 2019. Collection method: clinical testing. Allele origin: germline.
Comment: This variant was observed in the ICSL laboratory as part of a predisposition screen in an ostensibly healthy population. It had not been previously curated by ICSL or reported in the Human Gene Mutation Database (HGMD: prior to June 1st, 2018), and was therefore a candidate for classification through an automated scoring system. Utilizing variant allele frequency, disease prevalence and penetrance estimates, and inheritance mode, an automated score was calculated to assess if this variant is too frequent to cause the disease. Based on the score and internal cut-off values, a variant classified as benign is not then subjected to further curation. The score for this variant resulted in a classification of benign for this disease.

Breakthrough Genomics
Classification: Benign. Review status: criteria provided, single submitter. Criteria: ACMG Guidelines, 2015. Collection method: not provided. Allele origin: germline. Inheritance: Autosomal recessive inheritance. Affected: yes.

NM_016156.6(MTMR2):c.*2406C>T

Gene: MTMR2 (myotubularin related protein 2; minus strand). Cytogenetic location: 11q21.
Variant type: single nucleotide variant.
Coding change: c.*2406C>T on transcript NM_016156.6 (MANE Select); 2406 bases downstream of the stop codon, C replaced by T.
Molecular consequence: 3 prime UTR variant.
Genome position (GRCh38, 1-based): chr11:95,832,884, G>A on the plus strand (C>T on the coding strand, the complement: MTMR2 is on the minus strand). VCF-style: chr11-95832884-G-A. GRCh37 (hg19) VCF-style: chr11-95566048-G-A.
Other names: c.*2406C>T (NM_001243571.2, NM_201278.3, NM_201281.3).
Identifiers: ClinVar variation 306500 (VCV000306500.6), dbSNP rs16922613, ClinGen allele CA10639709.